The following is an entry in ClinVar:

ClinVar aggregate classification (germline): Uncertain significance (1 of 4 stars; one submission).

Conditions:
Fanconi anemia (FA). Also called: Fanconi's anemia. Identifiers: Orphanet 84, MedGen C0015625, MeSH D005199, MONDO:0019391.

Allele frequency attached by ClinVar (database versions not stated): gnomAD exomes below 0.00001; ExAC 0.00001; TOPMed 0.00002; ESP Exome Variant Server 0.00008.
gnomAD v4.1: 7 of 1,613,812 alleles (0.00043%); highest among the groups gnomAD compares: Non-Finnish European, 0.00059%; no homozygotes.

Submission:

Labcorp Genetics (formerly Invitae), Labcorp
Classification: Uncertain significance for Fanconi anemia. Last evaluated: 2022-10-13. Review status: criteria provided, single submitter. Criteria: Invitae Variant Classification Sherloc (09022015). Collection method: clinical testing. Allele origin: germline.
Comment: This sequence change replaces leucine, which is neutral and non-polar, with arginine, which is basic and polar, at codon 970 of the FANCI protein (p.Leu970Arg). This variant is present in population databases (rs376798440, gnomAD 0.002%). This variant has not been reported in the literature in individuals affected with FANCI-related conditions. ClinVar contains an entry for this variant (Variation ID: 1437450). Algorithms developed to predict the effect of missense changes on protein structure and function are either unavailable or do not agree on the potential impact of this missense change (SIFT: "Deleterious"; PolyPhen-2: "Probably Damaging"; Align-GVGD: "Class C0"). In summary, the available evidence is currently insufficient to determine the role of this variant in disease. Therefore, it has been classified as a Variant of Uncertain Significance.

NM_001113378.2(FANCI):c.2909T>G (p.Leu970Arg)

Gene: FANCI (FA complementation group I; plus strand). Cytogenetic location: 15q26.1.
Variant type: single nucleotide variant.
Coding change: c.2909T>G on transcript NM_001113378.2 (MANE Select); coding-DNA position 2909, T replaced by G.
Protein change: p.Leu970Arg; replaces leucine 970 with arginine.
Molecular consequence: missense variant.
Genome position (GRCh38, 1-based): chr15:89,301,345, T>G. VCF-style: chr15-89301345-T-G. GRCh37 (hg19) VCF-style: chr15-89844576-T-G.
Other names: c.2630T>G, p.Leu877Arg (NM_001376910.1); c.2909T>G, p.Leu970Arg (NM_001376911.1); c.2729T>G, p.Leu910Arg (NM_018193.3); short protein forms L910R, L970R, L877R.
Identifiers: ClinVar variation 1437450 (VCV001437450.8), dbSNP rs376798440, ClinGen allele CA7723523.
Genomic context (GRCh38, chr15:89,301,345, plus strand): 5'-GTCTGCTAACATTGCTTGCTGTGTGTGCCTTCCTTTCTCAGAGGTCCTTGTTGAATTTAC[T>G]TAGCAGTCAAGAGGAAGATTTTAATAGCAAAGAAGCCCTCCTGCTAGTCACGGTTCTTAC-3'
Protein context (NP_001106849.1, residues 960-980): RQFQRSLLNL[Leu970Arg]SSQEEDFNSK